The following is an entry in ClinVar:

NM_198253.3(TERT):c.1840C>G (p.Pro614Ala)

Gene: TERT (telomerase reverse transcriptase; minus strand). Cytogenetic location: 5p15.33.
Variant type: single nucleotide variant.
Coding change: c.1840C>G on transcript NM_198253.3 (MANE Select); coding-DNA position 1840, C replaced by G.
Protein change: p.Pro614Ala; replaces proline 614 with alanine.
Molecular consequence: missense variant. On other transcripts: non-coding transcript variant (2).
Genome position (GRCh38, 1-based): chr5:1,280,268, G>C on the plus strand (C>G on the coding strand, the complement: TERT is on the minus strand). VCF-style: chr5-1280268-G-C. GRCh37 (hg19) VCF-style: chr5-1280383-G-C.
Other names: c.1840C>G, p.Pro614Ala (NM_001193376.3); short protein forms P614A.
Identifiers: ClinVar variation 3747950 (VCV003747950.2).
Genomic context (GRCh38, chr5:1,280,268, plus strand): 5'-CAATCGGCCGCAGCCCGTCAGGCTTGGGGATGAAGCGGAGTCTGGACGTCAGCAGGGCGG[G>C]CCTGGCTTCCCGATGCTGCCTGACCTCTGCTTCCGACAGCTCCCGCAGCTGCACCCTCTT-3'
Protein context (NP_937983.2, residues 604-624): AEVRQHREAR[Pro614Ala]ALLTSRLRFI

ClinVar aggregate classification (germline): Uncertain significance (1 of 4 stars; one submission).

Conditions:
Idiopathic Pulmonary Fibrosis. Also called: Idiopathic fibrosing alveolitis, chronic form; idiopathic fibrosing alveolitis. Identifiers: Orphanet 2032, MedGen C1800706, MeSH D054990, MONDO:0800504.
Dyskeratosis congenita, autosomal dominant 2. Identifiers: MedGen C3151443, MONDO:0013521, OMIM 613989.

Submission:

Labcorp Genetics (formerly Invitae), Labcorp
Classification: Uncertain significance for Dyskeratosis congenita, autosomal dominant 2; Idiopathic Pulmonary Fibrosis. Last evaluated: 2024-11-25. Review status: criteria provided, single submitter. Criteria: Invitae Variant Classification Sherloc (09022015). Collection method: clinical testing. Allele origin: germline.
Comment: This sequence change replaces proline, which is neutral and non-polar, with alanine, which is neutral and non-polar, at codon 614 of the TERT protein (p.Pro614Ala). This variant is not present in population databases (gnomAD no frequency). This variant has not been reported in the literature in individuals affected with TERT-related conditions. An algorithm developed to predict the effect of missense changes on protein structure and function outputs the following: PolyPhen-2: "Benign". The alanine amino acid residue is found in multiple mammalian species, which suggests that this missense change does not adversely affect protein function. In summary, the available evidence is currently insufficient to determine the role of this variant in disease. Therefore, it has been classified as a Variant of Uncertain Significance.